The following is an entry in ClinVar:

ClinVar aggregate classification (germline): Benign/Likely benign. Review status: criteria provided, multiple submitters, no conflicts (2 of 4 stars). 2 submissions from 2 submitters: Benign (1); Likely benign (1). Last evaluated 2026-02-09.

Allele frequency attached by ClinVar (database versions not stated): gnomAD exomes 0.00030; ExAC 0.00117; gnomAD 0.00337; 1000 Genomes Project 0.00379; TOPMed 0.00384; ESP Exome Variant Server 0.00415; 1000 Genomes Project 30x 0.00437.
gnomAD v4.1: 966 of 1,611,124 alleles (0.06%); highest among the groups gnomAD compares: African/African-American, 1.2%; 5 homozygotes.

Submissions (4):

Women's Health and Genetics/Laboratory Corporation of America, LabCorp
Classification: Benign. Last evaluated: 2026-02-09. Review status: criteria provided, single submitter. Criteria: LabCorp Variant Classification Summary - May 2015. Collection method: clinical testing. Allele origin: germline.
Comment: Variant summary: LIG3 c.1912-3C>T alters a conserved nucleotide located close to a canonical splice site and therefore could affect mRNA splicing, leading to a significantly altered protein sequence. Consensus agreement among computation tools predict no significant impact on normal splicing. However, these predictions have yet to be confirmed by functional studies. The variant allele was found at a frequency of 0.00082 in 248772 control chromosomes, predominantly at a frequency of 0.012 within the African or African-American subpopulation in the gnomAD database. The observed variant frequency within African or African-American control individuals in the gnomAD database exceeds the estimated maximal expected allele frequency for disease-causing variants in LIG3. To our knowledge, no occurrence of c.1912-3C>T in individuals affected with LIG3-related conditions and no experimental evidence demonstrating its impact on protein function have been reported. ClinVar contains an entry for this variant (Variation ID: 3250603). Based on the evidence outlined above, the variant was classified as benign.

CeGaT Center for Human Genetics Tuebingen
Classification: Likely benign. Last evaluated: 2025-06-01. Review status: criteria provided, single submitter. Criteria: CeGaT Center For Human Genetics Tuebingen Variant Classification Criteria Version 2. Collection method: clinical testing. Allele origin: germline. Affected: yes. Observed: 2 variant alleles.
Comment: LIG3: BP4, BS1

Dr. Peter K. Rogan Lab, Western University
No classification provided (evidence only). Condition: Uterine corpus endometrial carcinoma. Review status: no classification provided. Collection method: in vitro. Allele origin: not applicable. Functional consequence: retained intron. Not counted in ClinVar's aggregate classification.

Dr. Peter K. Rogan Lab, Western University
No classification provided (evidence only). Condition: Malignant tumor of esophagus. Review status: no classification provided. Collection method: in vitro. Allele origin: not applicable. Functional consequence: retained intron. Not counted in ClinVar's aggregate classification.

NM_013975.4(LIG3):c.1912-3C>T

Gene: LIG3 (DNA ligase 3; plus strand). Cytogenetic location: 17q12.
Variant type: single nucleotide variant.
Coding change: c.1912-3C>T on transcript NM_013975.4 (MANE Select); 3 bases into the intron before coding-DNA position 1912, C replaced by T.
Molecular consequence: intron variant.
Genome position (GRCh38, 1-based): chr17:34,998,216, C>T. VCF-style: chr17-34998216-C-T. GRCh37 (hg19) VCF-style: chr17-33325235-C-T.
Other names: NC_000017.10:g.33325235C>T; c.1912-3C>T (NM_002311.5).
Identifiers: ClinVar variation 3250603 (VCV003250603.20), dbSNP rs3136009.